The following is an entry in ClinVar:

NM_001384140.1(PCDH15):c.1655C>T (p.Ala552Val)

Gene: PCDH15 (protocadherin related 15; minus strand). Cytogenetic location: 10q21.1.
Variant type: single nucleotide variant.
Coding change: c.1655C>T on transcript NM_001384140.1 (MANE Select); coding-DNA position 1655, C replaced by T.
Protein change: p.Ala552Val; replaces alanine 552 with valine.
Molecular consequence: missense variant.
Genome position (GRCh38, 1-based): chr10:54,153,229, G>A on the plus strand (C>T on the coding strand, the complement: PCDH15 is on the minus strand). VCF-style: chr10-54153229-G-A. GRCh37 (hg19) VCF-style: chr10-55912989-G-A.
Other names: c.1670C>T, p.Ala557Val (NM_001142763.2, NM_001142771.2); c.1655C>T, p.Ala552Val (NM_001142764.2, NM_001142765.2, NM_001142766.2 and 6 more transcripts); c.1544C>T, p.Ala515Val (NM_001142767.2); c.1589C>T, p.Ala530Val (NM_001142768.2, NM_001142773.2, NM_001354404.2); c.1691C>T, p.Ala564Val (NM_001142769.4); c.1676C>T, p.Ala559Val (NM_001354411.2); short protein forms A515V, A559V, A564V, A530V, A552V, A557V.
Identifiers: ClinVar variation 1350457 (VCV001350457.5), dbSNP rs1004800410, ClinGen allele CA207217188.
Genomic context (GRCh38, chr10:54,153,229, plus strand): 5'-TCCACCCCTGGAGCGATGGTGATAAGCCCTGTTGTTTTATTGATGATGAAGTCTCCCTGA[G>A]CCCCAACAAGGATTTCATATGTGATCTCCCCATTTGACCCTTCGTCTGCGTCGACTGCAG-3'
Protein context (NP_001371069.1, residues 542-562): GEITYEILVG[Ala552Val]QGDFIINKTT

ClinVar aggregate classification (germline): Uncertain significance (1 of 4 stars; one submission).

Allele frequency attached by ClinVar (database versions not stated): gnomAD exomes below 0.00001.

Submission:

Labcorp Genetics (formerly Invitae), Labcorp
Classification: Uncertain significance. Last evaluated: 2024-10-24. Review status: criteria provided, single submitter. Criteria: Invitae Variant Classification Sherloc (09022015). Collection method: clinical testing. Allele origin: germline.
Comment: This sequence change replaces alanine, which is neutral and non-polar, with valine, which is neutral and non-polar, at codon 552 of the PCDH15 protein (p.Ala552Val). This variant is present in population databases (no rsID available, gnomAD 0.0009%). This variant has not been reported in the literature in individuals affected with PCDH15-related conditions. ClinVar contains an entry for this variant (Variation ID: 1350457). Invitae Evidence Modeling of protein sequence and biophysical properties (such as structural, functional, and spatial information, amino acid conservation, physicochemical variation, residue mobility, and thermodynamic stability) indicates that this missense variant is not expected to disrupt PCDH15 protein function with a negative predictive value of 95%. In summary, the available evidence is currently insufficient to determine the role of this variant in disease. Therefore, it has been classified as a Variant of Uncertain Significance.